The following is an entry in ClinVar:

ClinVar aggregate classification (germline): Benign/Likely benign. Review status: criteria provided, multiple submitters, no conflicts (2 of 4 stars). 3 submissions from 3 submitters: Benign (1); Likely benign (2). Last evaluated 2025-09-24.

Conditions:
DST-related disorder. Also called: DST-related disorders; DST-related condition.
Epidermolysis bullosa simplex 3, localized or generalized intermediate, with BP230 deficiency (EBS3). Also called: Epidermolysis bullosa simplex due to BP230 deficiency; Epidermolysis bullosa simplex, autosomal recessive 2. Identifiers: Orphanet 412181, MedGen C3809470, MONDO:0014180, OMIM 615425.
Hereditary sensory and autonomic neuropathy type 6. Also called: Neuropathy, hereditary sensory and autonomic, type VI; HSAN VI. Identifiers: Orphanet 314381, MedGen C3539003, MONDO:0013839, OMIM 614653.

Allele frequency attached by ClinVar (database versions not stated): gnomAD 0.00011 and 0.00016; gnomAD exomes 0.00016 and 0.00046; TOPMed 0.00021; ExAC 0.00044; 1000 Genomes Project 30x 0.00125; 1000 Genomes Project 0.00140.
gnomAD v4.1: 252 of 1,611,544 alleles (0.016%); highest among the groups gnomAD compares: East Asian, 0.53%; 1 homozygote.

Submissions (3):

Labcorp Genetics (formerly Invitae), Labcorp
Classification: Benign for Epidermolysis bullosa simplex 3, localized or generalized intermediate, with BP230 deficiency; Hereditary sensory and autonomic neuropathy type 6. Last evaluated: 2025-09-24. Review status: criteria provided, single submitter. Criteria: Invitae Variant Classification Sherloc (09022015). Collection method: clinical testing. Allele origin: germline.

PreventionGenetics, part of Exact Sciences
Classification: Likely benign for DST-related condition. Last evaluated: 2025-04-30. Review status: criteria provided, single submitter. Criteria: ACMG Guidelines, 2015. Collection method: clinical testing. Allele origin: germline.
Comment: This variant is classified as likely benign based on ACMG/AMP sequence variant interpretation guidelines (Richards et al. 2015 PMID: 25741868, with internal and published modifications).

Blueprint Genetics
Classification: Likely benign. Last evaluated: 2024-10-30. Review status: criteria provided, single submitter. Criteria: ACMG Guidelines, 2015. Collection method: clinical testing. Allele origin: germline.

NM_001374736.1(DST):c.23187G>A (p.Gln7729=)

Gene: DST (dystonin; minus strand). Cytogenetic location: 6p12.1.
Variant type: single nucleotide variant.
Coding change: c.23187G>A on transcript NM_001374736.1 (MANE Select); coding-DNA position 23187, G replaced by A.
Protein change: p.Gln7729=; no amino-acid change (glutamine 7729 retained).
Molecular consequence: synonymous variant.
Genome position (GRCh38, 1-based): chr6:56,460,138, C>T on the plus strand (G>A on the coding strand, the complement: DST is on the minus strand). VCF-style: chr6-56460138-C-T. GRCh37 (hg19) VCF-style: chr6-56324936-C-T.
Other names: c.16758G>A, p.Gln5586= (NM_001144769.5); c.16344G>A, p.Gln5448= (NM_001144770.2); c.23115G>A, p.Gln7705= (NM_001374722.1); c.22116G>A, p.Gln7372= (NM_001374729.1); c.15858G>A, p.Gln5286= (NM_001374730.1); c.23142G>A, p.Gln7714= (NM_001374734.1); c.16206G>A, p.Gln5402= (NM_001386100.1); c.15246G>A, p.Gln5082= (NM_015548.5); and 2 more.
Identifiers: ClinVar variation 1166337 (VCV001166337.11), dbSNP rs148830617, ClinGen allele CA3866020.